The following is an entry in ClinVar:

NC_000009.11:g.(?_34648999)_(34650430_?)del

Gene: GALT (galactose-1-phosphate uridylyltransferase; plus strand). Cytogenetic location: 9p13.3.
Variant type: Deletion.
Identifiers: ClinVar variation 3245106 (VCV003245106.1).

ClinVar aggregate classification (germline): Pathogenic (1 of 4 stars; one submission).

Conditions:
Deficiency of UDPglucose-hexose-1-phosphate uridylyltransferase. Also called: GALACTOSE-1-PHOSPHATE URIDYLYLTRANSFERASE DEFICIENCY; GALACTOSEMIA I; GALT deficiency; Galactosemia, classic; Transferase Deficiency Galactosemia. Identifiers: Orphanet 352, Orphanet 79239, MedGen C0268151, MONDO:0009258, OMIM 230400.

Submission:

Labcorp Genetics (formerly Invitae), Labcorp
Classification: Pathogenic for Deficiency of UDPglucose-hexose-1-phosphate uridylyltransferase. Last evaluated: 2023-08-22. Review status: criteria provided, single submitter. Criteria: Invitae Variant Classification Sherloc (09022015). Collection method: clinical testing. Allele origin: unknown.
Comment: This variant results in the deletion of exon 10 and part of exon 9 and 11 (c.825_1124del) of the GALT gene. This variant would be expected to be in-frame, preserving the integrity of the reading frame. This variant has not been reported in the literature in individuals affected with GALT-related conditions. This variant disrupts a region of the GALT protein in which other variant(s) (p.Lys285Asn) have been determined to be pathogenic (PMID: 16540753, 18210213, 25592817; Invitae). This suggests that this is a clinically significant region of the protein, and that variants that disrupt it are likely to be disease-causing. For these reasons, this variant has been classified as Pathogenic.

Literature cited by the submitters: PubMed 16540753; PubMed 18210213; PubMed 25592817.